The following is an entry in ClinVar:

ClinVar aggregate classification (germline): Uncertain significance. Review status: criteria provided, multiple submitters, no conflicts (2 of 4 stars). 2 submissions from 2 submitters: Uncertain significance (2). Last evaluated 2026-05-06.

Conditions:
Inborn genetic diseases. Identifiers: MedGen C0950123, MeSH D030342.

gnomAD v4.1: 5 of 1,613,322 alleles (0.00031%); highest among the groups gnomAD compares: African/African-American, 0.0053%; no homozygotes.

Submissions (2):

Ambry Genetics
Classification: Uncertain significance for Inborn genetic diseases. Last evaluated: 2026-05-06. Review status: criteria provided, single submitter. Criteria: Ambry Variant Classification Scheme 2023. Collection method: clinical testing. Allele origin: germline.
Comment: The c.958C>G (p.R320G) alteration is located in exon 3 (coding exon 3) of the GPR179 gene. This alteration results from a C to G substitution at nucleotide position 958, causing the arginine (R) at amino acid position 320 to be replaced by a glycine (G). Based on data from gnomAD, the G allele has an overall frequency of 0.001% (2/248728) total alleles studied. The highest observed frequency was 0.007% (1/15440) of African alleles. Based on insufficient or conflicting evidence, the clinical significance of this alteration remains unclear.

Labcorp Genetics (formerly Invitae), Labcorp
Classification: Uncertain significance. Last evaluated: 2022-06-29. Review status: criteria provided, single submitter. Criteria: Invitae Variant Classification Sherloc (09022015). Collection method: clinical testing. Allele origin: germline.
Comment: In summary, the available evidence is currently insufficient to determine the role of this variant in disease. Therefore, it has been classified as a Variant of Uncertain Significance. This sequence change replaces arginine, which is basic and polar, with glycine, which is neutral and non-polar, at codon 320 of the GPR179 protein (p.Arg320Gly). This variant is present in population databases (rs768587459, gnomAD 0.007%). This variant has not been reported in the literature in individuals affected with GPR179-related conditions. Algorithms developed to predict the effect of missense changes on protein structure and function are either unavailable or do not agree on the potential impact of this missense change (SIFT: "Deleterious"; PolyPhen-2: "Possibly Damaging"; Align-GVGD: "Class C0").

NM_001004334.4(GPR179):c.958C>G (p.Arg320Gly)

Gene: GPR179 (G protein-coupled receptor 179; minus strand). Cytogenetic location: 17q12.
Variant type: single nucleotide variant.
Coding change: c.958C>G on transcript NM_001004334.4 (MANE Select); coding-DNA position 958, C replaced by G.
Protein change: p.Arg320Gly; replaces arginine 320 with glycine.
Molecular consequence: missense variant.
Genome position (GRCh38, 1-based): chr17:38,337,666, G>C on the plus strand (C>G on the coding strand, the complement: GPR179 is on the minus strand). VCF-style: chr17-38337666-G-C. GRCh37 (hg19) VCF-style: chr17-36493549-G-C.
Other names: c.958C>G (NM_001004334.2); short protein forms R320G.
Identifiers: ClinVar variation 2012140 (VCV002012140.5), dbSNP rs768587459, ClinGen allele CA290109638.